The following is an entry in ClinVar:

NM_014251.3(SLC25A13):c.635C>T (p.Ser212Phe)

Gene: SLC25A13 (solute carrier family 25 member 13; minus strand). Cytogenetic location: 7q21.3.
Variant type: single nucleotide variant.
Coding change: c.635C>T on transcript NM_014251.3 (MANE Select); coding-DNA position 635, C replaced by T.
Protein change: p.Ser212Phe; replaces serine 212 with phenylalanine.
Molecular consequence: missense variant. On other transcripts: non-coding transcript variant (1).
Genome position (GRCh38, 1-based): chr7:96,191,228, G>A on the plus strand (C>T on the coding strand, the complement: SLC25A13 is on the minus strand). VCF-style: chr7-96191228-G-A. GRCh37 (hg19) VCF-style: chr7-95820540-G-A.
Other names: c.635C>T, p.Ser212Phe (NM_001160210.2); short protein forms S212F.
Identifiers: ClinVar variation 597700 (VCV000597700.12), dbSNP rs137944390, ClinGen allele CA4353204.
Genomic context (GRCh38, chr7:96,191,228, plus strand): 5'-AGTTCCATGTTGTTAAGGAGCGAATTAAATCCATTAAAATAGGAGAAACTAACTTGATGG[G>A]ATGTGGTACCTCCAGCAGCCTCAAATAAATTGAAAACAAGAGAGAAGAAAAATATACAAA-3'
Protein context (NP_055066.1, residues 202-222): CLVAAAGGTT[Ser212Phe]HQVSFSYFNG

ClinVar aggregate classification (germline): Uncertain significance. Review status: criteria provided, multiple submitters, no conflicts (2 of 4 stars). 4 submissions from 4 submitters: Uncertain significance (4). Last evaluated 2026-05-03.

Conditions:
SLC25A13-related disorder. Also called: SLC25A13-related condition.
Citrullinemia type II. Also called: Citrullinemia Type II (CTLN2). Identifiers: Orphanet 247585, MedGen C1863844, MONDO:0016603.

Allele frequency attached by ClinVar (database versions not stated): TOPMed 0.00004; gnomAD 0.00005; ExAC 0.00006; gnomAD exomes 0.00009; ESP Exome Variant Server 0.00023.
gnomAD v4.1: 137 of 1,613,802 alleles (0.0085%); highest among the groups gnomAD compares: Non-Finnish European, 0.011%; no homozygotes.

Submissions (4):

PreventionGenetics, part of Exact Sciences
Classification: Uncertain significance for SLC25A13-related condition. Last evaluated: 2026-05-03. Review status: criteria provided, single submitter. Criteria: ACMG Guidelines, 2015. Collection method: clinical testing. Allele origin: germline.
Comment: The SLC25A13 c.635C>T variant is predicted to result in the amino acid substitution p.Ser212Phe. To our knowledge, this variant has not been reported in the literature. This variant is reported in 0.019% of alleles in individuals of European (Non-Finnish) descent in gnomAD. At this time, the clinical significance of this variant is uncertain due to the absence of conclusive functional and genetic evidence.

Blueprint Genetics
Classification: Uncertain significance. Last evaluated: 2023-12-18. Review status: criteria provided, single submitter. Criteria: ACMG Guidelines, 2015. Collection method: clinical testing. Allele origin: germline.

Eurofins Ntd Llc (ga)
Classification: Uncertain significance. Last evaluated: 2018-06-25. Review status: criteria provided, single submitter. Criteria: EGL ClinVar v180209 classification definitions. Collection method: clinical testing. Allele origin: germline. Observed: 1 variant allele, 1 heterozygote.

Illumina Laboratory Services, Illumina
Classification: Uncertain significance for Citrullinemia, type II, adult-onset. Last evaluated: 2018-01-12. Review status: criteria provided, single submitter. Criteria: ICSL Variant Classification Criteria 13 December 2019. Collection method: clinical testing. Allele origin: germline.